The following is an entry in ClinVar:

NM_014270.5(SLC7A9):c.757C>T (p.Pro253Ser)

Gene: SLC7A9 (solute carrier family 7 member 9; minus strand). Cytogenetic location: 19q13.11.
Variant type: single nucleotide variant.
Coding change: c.757C>T on transcript NM_014270.5 (MANE Select); coding-DNA position 757, C replaced by T.
Protein change: p.Pro253Ser; replaces proline 253 with serine.
Molecular consequence: missense variant.
Genome position (GRCh38, 1-based): chr19:32,859,957, G>A on the plus strand (C>T on the coding strand, the complement: SLC7A9 is on the minus strand). VCF-style: chr19-32859957-G-A. GRCh37 (hg19) VCF-style: chr19-33350863-G-A.
Other names: c.757C>T, p.Pro253Ser (NM_001126335.2, NM_001243036.2); short protein forms P253S.
Identifiers: ClinVar variation 5005959 (VCV005005959.2).

ClinVar aggregate classification (germline): Uncertain significance (1 of 4 stars; one submission).

Conditions:
Cystinuria (CSNU). Also called: CYSTINURIA, TYPE I; CYSTINURIA, TYPE II; CYSTINURIA, TYPE III; Cystinuria, non-type I. Identifiers: Orphanet 214, MedGen C0010691, MONDO:0009067, OMIM 220100, HP:0003131.

Submission:

Juno Genomics, Hangzhou Juno Genomics, Inc
Classification: Uncertain significance for Cystinuria. Review status: criteria provided, single submitter. Criteria: ACMG Guidelines, 2015. Collection method: clinical testing. Allele origin: germline.
Comment: Absent from controls (or at extremely low frequency if recessive) in Genome Aggregation Database.;Multiple lines of computational evidence support a deleterious effect on the gene or gene product.